The following is an entry in ClinVar:

NM_005763.4(AASS):c.788C>T (p.Thr263Met)

Gene: AASS (aminoadipate-semialdehyde synthase; minus strand). Cytogenetic location: 7q31.32.
Variant type: single nucleotide variant.
Coding change: c.788C>T on transcript NM_005763.4 (MANE Select); coding-DNA position 788, C replaced by T.
Protein change: p.Thr263Met; replaces threonine 263 with methionine.
Molecular consequence: missense variant.
Genome position (GRCh38, 1-based): chr7:122,116,739, G>A on the plus strand (C>T on the coding strand, the complement: AASS is on the minus strand). VCF-style: chr7-122116739-G-A. GRCh37 (hg19) VCF-style: chr7-121756793-G-A.
Other names: short protein forms T263M.
Identifiers: ClinVar variation 1443722 (VCV001443722.6), dbSNP rs746536178, ClinGen allele CA4458534.

ClinVar aggregate classification (germline): Uncertain significance (1 of 4 stars; one submission).

Allele frequency attached by ClinVar (database versions not stated): ExAC 0.00002; gnomAD exomes 0.00002; TOPMed 0.00002.
gnomAD v4.1: 30 of 1,614,034 alleles (0.0019%); highest among the groups gnomAD compares: East Asian, 0.0067%; no homozygotes.

Submission:

Labcorp Genetics (formerly Invitae), Labcorp
Classification: Uncertain significance. Last evaluated: 2021-11-11. Review status: criteria provided, single submitter. Criteria: Invitae Variant Classification Sherloc (09022015). Collection method: clinical testing. Allele origin: germline.
Comment: In summary, the available evidence is currently insufficient to determine the role of this variant in disease. Therefore, it has been classified as a Variant of Uncertain Significance. This sequence change replaces threonine, which is neutral and polar, with methionine, which is neutral and non-polar, at codon 263 of the AASS protein (p.Thr263Met). This variant is present in population databases (rs746536178, gnomAD 0.01%). This variant has not been reported in the literature in individuals affected with AASS-related conditions. Algorithms developed to predict the effect of missense changes on protein structure and function are either unavailable or do not agree on the potential impact of this missense change (SIFT: "Deleterious"; PolyPhen-2: "Probably Damaging"; Align-GVGD: "Class C0").